The following is an entry in ClinVar:

NM_001151.4(SLC25A4):c.487A>C (p.Lys163Gln)

Gene: SLC25A4 (solute carrier family 25 member 4; plus strand). Cytogenetic location: 4q35.1.
Variant type: single nucleotide variant.
Coding change: c.487A>C on transcript NM_001151.4 (MANE Select); coding-DNA position 487, A replaced by C.
Protein change: p.Lys163Gln; replaces lysine 163 with glutamine.
Molecular consequence: missense variant.
Genome position (GRCh38, 1-based): chr4:185,145,139, A>C. VCF-style: chr4-185145139-A-C. GRCh37 (hg19) VCF-style: chr4-186066293-A-C.
Other names: short protein forms K163Q.
Identifiers: ClinVar variation 4536868 (VCV004536868.1).

ClinVar aggregate classification (germline): Uncertain significance (1 of 4 stars; one submission).

gnomAD v4.1: 1 of 1,612,992 alleles (0.000062%); highest among the groups gnomAD compares: South Asian, 0.0011%; no homozygotes.

Submission:

Women's Health and Genetics/Laboratory Corporation of America, LabCorp
Classification: Uncertain significance. Last evaluated: 2025-11-26. Review status: criteria provided, single submitter. Criteria: LabCorp Variant Classification Summary - May 2015. Collection method: clinical testing. Allele origin: germline.
Comment: Variant summary: SLC25A4 c.487A>C (p.Lys163Gln) results in a conservative amino acid change in the encoded protein sequence. Algorithms developed to predict the effect of missense changes on protein structure and function are either unavailable or do not agree on the potential impact of this missense change. The variant was absent in 250358 control chromosomes. The available data on variant occurrences in the general population are insufficient to allow any conclusion about variant significance. To our knowledge, no occurrence of c.487A>C in individuals affected with SLC25A4-related conditions and no experimental evidence demonstrating its impact on protein function have been reported. No submitters have cited clinical-significance assessments for this variant to ClinVar. Based on the evidence outlined above, the variant was classified as uncertain significance.